The following is an entry in ClinVar:

NM_000601.6(HGF):c.832A>G (p.Thr278Ala)

Gene: HGF (hepatocyte growth factor; minus strand). Cytogenetic location: 7q21.11.
Variant type: single nucleotide variant.
Coding change: c.832A>G on transcript NM_000601.6 (MANE Select); coding-DNA position 832, A replaced by G.
Protein change: p.Thr278Ala; replaces threonine 278 with alanine.
Molecular consequence: missense variant.
Genome position (GRCh38, 1-based): chr7:81,743,386, T>C on the plus strand (A>G on the coding strand, the complement: HGF is on the minus strand). VCF-style: chr7-81743386-T-C. GRCh37 (hg19) VCF-style: chr7-81372702-T-C.
Other names: c.832A>G, p.Thr278Ala (NM_001010931.3); c.817A>G, p.Thr273Ala (NM_001010932.3, NM_001010933.3); short protein forms T273A, T278A.
Identifiers: ClinVar variation 3361594 (VCV003361594.1).
Genomic context (GRCh38, chr7:81,743,386, plus strand): 5'-GAAGCAATAAATTTGACCTTCACTTACCGCATGTTTTAATTGCACAGTACTCCCAGCGGG[T>C]GTGAGGGTCAAGAGTATAGCACCATGGCCTCGGCTGGCCATCGGGATTGCGGCAATAATT-3'
Protein context (NP_000592.3, residues 268-288): RPWCYTLDPH[Thr278Ala]RWEYCAIKTC

ClinVar aggregate classification (germline): Uncertain significance (1 of 4 stars; one submission).

gnomAD v4.1: 1 of 1,611,524 alleles (0.000062%); highest among the groups gnomAD compares: Non-Finnish European, 0.000085%; no homozygotes.

Submission:

GeneDx
Classification: Uncertain significance. Last evaluated: 2023-07-25. Review status: criteria provided, single submitter. Criteria: GeneDx Variant Classification Process June 2021. Collection method: clinical testing. Allele origin: germline. Affected: yes.
Comment: Not observed at significant frequency in large population cohorts (gnomAD); In silico analysis supports that this missense variant does not alter protein structure/function; Has not been previously published as pathogenic or benign to our knowledge